The following is an entry in ClinVar:

NM_017999.5(RNF31):c.620C>A (p.Pro207His)

Gene: RNF31 (ring finger protein 31; plus strand). Cytogenetic location: 14q12.
Variant type: single nucleotide variant.
Coding change: c.620C>A on transcript NM_017999.5 (MANE Select); coding-DNA position 620, C replaced by A.
Protein change: p.Pro207His; replaces proline 207 with histidine.
Molecular consequence: missense variant.
Genome position (GRCh38, 1-based): chr14:24,148,865, C>A. VCF-style: chr14-24148865-C-A. GRCh37 (hg19) VCF-style: chr14-24618074-C-A.
Other names: c.167C>A, p.Pro56His (NM_001310332.2); short protein forms P207H, P56H.
Identifiers: ClinVar variation 1920091 (VCV001920091.5), dbSNP rs763692830, ClinGen allele CA7125573.

ClinVar aggregate classification (germline): Uncertain significance (1 of 4 stars; one submission).

gnomAD v4.1: 16 of 1,614,016 alleles (0.00099%); highest among the groups gnomAD compares: African/African-American, 0.0013%; no homozygotes.

Submission:

Labcorp Genetics (formerly Invitae), Labcorp
Classification: Uncertain significance. Last evaluated: 2024-10-22. Review status: criteria provided, single submitter. Criteria: Invitae Variant Classification Sherloc (09022015). Collection method: clinical testing. Allele origin: germline.
Comment: This sequence change replaces proline, which is neutral and non-polar, with histidine, which is basic and polar, at codon 207 of the RNF31 protein (p.Pro207His). This variant is present in population databases (rs763692830, gnomAD 0.003%). This variant has not been reported in the literature in individuals affected with RNF31-related conditions. ClinVar contains an entry for this variant (Variation ID: 1920091). An algorithm developed to predict the effect of missense changes on protein structure and function (PolyPhen-2) suggests that this variant is likely to be disruptive. In summary, the available evidence is currently insufficient to determine the role of this variant in disease. Therefore, it has been classified as a Variant of Uncertain Significance.